The following is an entry in ClinVar:

NM_000059.4(BRCA2):c.6980del (p.Ser2326_Leu2327insTer)

Gene: BRCA2 (BRCA2 DNA repair associated; plus strand). Cytogenetic location: 13q13.1.
Variant type: Deletion.
Coding change: c.6980del on transcript NM_000059.4 (MANE Select); coding-DNA position 6980, one base deleted (T; older notation c.6980delT).
Protein change: p.Ser2326_Leu2327insTer.
Molecular consequence: nonsense.
Genome position (GRCh38, 1-based): chr13:32,346,869, T deleted; the last of 3 consecutive T bases (chr13:32,346,867-32,346,869); deleting any one gives the same sequence. VCF-style (leftmost placement, unchanged base first): chr13-32346866-CT-C. GRCh37 (hg19) VCF-style: chr13-32921003-CT-C.
Other names: 7208delT; c.6980delT (NM_000059.3).
Identifiers: ClinVar variation 252419 (VCV000252419.16), dbSNP rs879255306, ClinGen allele CA10585898.

ClinVar aggregate classification (germline): Pathogenic. Review status: reviewed by expert panel (3 of 4 stars). 11 submissions from 11 submitters: Pathogenic (1). 10 of the submissions do not count toward it. Last evaluated 2016-10-18.

Conditions:
Inherited ovarian cancer (without breast cancer).
BRCA2-related disorder. Also called: BRCA2-related condition; BRCA2-related disorders. Identifiers: MedGen CN239275.
Hereditary cancer-predisposing syndrome. Also called: Tumor predisposition; Hereditary Cancer Syndrome; Neoplastic Syndromes, Hereditary; Hereditary neoplastic syndrome. Identifiers: Orphanet 140162, MedGen C0027672, MeSH D009386, MONDO:0015356.
Hereditary breast ovarian cancer syndrome. Also called: Hereditary breast and ovarian cancer; Breast and ovarian cancer; Hereditary breast and/or ovarian cancer syndrome; BRCA1- and BRCA2-Associated Hereditary Breast and Ovarian Cancer; Hereditary breast and ovarian cancer syndrome; Hereditary breast and ovarian cancer syndrome (HBOC). Identifiers: Orphanet 145, MedGen C0677776, MeSH D061325, MONDO:0003582. Disease mechanism: loss of function.
Breast-ovarian cancer, familial, susceptibility to, 2 (BROVCA2). Also called: BRCA2 Hereditary Breast and Ovarian Cancer. Identifiers: Orphanet 145, MedGen C2675520, MONDO:0012933, OMIM 612555. Disease mechanism: loss of function.

Submissions (11):

Evidence-based Network for the Interpretation of Germline Mutant Alleles (ENIGMA)
Classification: Pathogenic for Breast-ovarian cancer, familial, susceptibility to, 2. Last evaluated: 2016-10-18. Review status: reviewed by expert panel. Criteria: ENIGMA BRCA1/2 Classification Criteria (2015). Collection method: curation. Allele origin: germline.
Comment: Variant allele predicted to encode a truncated non-functional protein.

Labcorp Genetics (formerly Invitae), Labcorp
Classification: Pathogenic for Hereditary breast ovarian cancer syndrome. Last evaluated: 2025-06-14. Review status: criteria provided, single submitter. Criteria: Invitae Variant Classification Sherloc (09022015). Collection method: clinical testing. Allele origin: germline. Not counted in ClinVar's aggregate classification.
Comment: This sequence change creates a premature translational stop signal (p.Leu2327*) in the BRCA2 gene. It is expected to result in an absent or disrupted protein product. Loss-of-function variants in BRCA2 are known to be pathogenic (PMID: 20104584). This variant is not present in population databases (gnomAD no frequency). This premature translational stop signal has been observed in individual(s) with breast and/or ovarian cancer (PMID: 20127978, 30322717). ClinVar contains an entry for this variant (Variation ID: 252419). For these reasons, this variant has been classified as Pathogenic.

Genomics and Molecular Medicine Service, East Genomic Laboratory Hub, NHS Genomic Medicine Service
Classification: Pathogenic for Inherited ovarian cancer (without breast cancer). Last evaluated: 2024-08-15. Review status: criteria provided, single submitter. Criteria: ACGS Best Practice Guidelines for Variant Classification in Rare Disease 2020. Collection method: clinical testing. Allele origin: germline. Affected: yes. Not counted in ClinVar's aggregate classification.
Comment: PVS1,PM5_Strong

Ambry Genetics
Classification: Pathogenic for Hereditary cancer-predisposing syndrome. Last evaluated: 2023-10-03. Review status: criteria provided, single submitter. Criteria: Ambry Variant Classification Scheme 2023. Collection method: clinical testing. Allele origin: germline. Not counted in ClinVar's aggregate classification.
Comment: The c.6980delT pathogenic mutation, located in coding exon 12 of the BRCA2 gene, results from a deletion of one nucleotide at nucleotide position 6980, causing a translational frameshift with a predicted alternate stop codon (p.L2327*). This mutation has been reported in a patient at risk for hereditary breast cancer (Morgan JE et al. Hum Mutat, 2010 Apr;31:484-91) and in a cohort of 4439 women with ovarian cancer undergoing multigene panel testing at one laboratory (Carter NJ et al. Gynecol Oncol, 2018 Dec;151:481-488). In addition to the clinical data presented in the literature, this alteration is expected to result in loss of function by premature protein truncation or nonsense-mediated mRNA decay. As such, this alteration is interpreted as a disease-causing mutation.

Color Diagnostics, LLC DBA Color Health
Classification: Pathogenic for Hereditary cancer-predisposing syndrome. Last evaluated: 2023-06-13. Review status: criteria provided, single submitter. Criteria: ACMG Guidelines, 2015. Collection method: clinical testing. Allele origin: germline. Not counted in ClinVar's aggregate classification.
Comment: This variant changes 1 nucleotide in exon 13 of the BRCA2 gene, creating a premature translation stop signal. This variant is expected to result in an absent or non-functional protein product. This variant has been reported in individuals with a personal or family history of breast and/or ovarian cancer (PMID: 20127978, 29446198, 33471991; Leiden Open Variation Database DB-ID BRCA2_005060). This variant has not been identified in the general population by the Genome Aggregation Database (gnomAD). Loss of BRCA2 function is a known mechanism of disease. Based on the available evidence, this variant is classified as Pathogenic.

Laboratory for Molecular Medicine, Mass General Brigham Personalized Medicine
Classification: Likely pathogenic for Hereditary breast ovarian cancer syndrome. Last evaluated: 2019-10-14. Review status: criteria provided, single submitter. Criteria: ACMG Guidelines, 2015. Collection method: clinical testing. Allele origin: germline. Not counted in ClinVar's aggregate classification.
Comment: The p.Leu2327X variant in BRCA2 has not been previously reported in individuals with hereditary breast and/or ovarian cancer (HBOC) and was absent from large population studies, but has been reported in ClinVar (Variation ID: 252419). This nonsense variant leads to a premature termination codon at position 2327, which is predicted to lead to a truncated or absent protein. Loss of function of the BRCA2 gene is an established disease mechanism in autosomal dominant HBOC. In summary, although additional studies are required to fully establish its clinical significance, this variant meets criteria to be classified as likely pathogenic for autosomal dominant HBOC. ACMG/AMP Criteria applied: PVS1, PM2.

Quest Diagnostics Nichols Institute San Juan Capistrano
Classification: Likely pathogenic for Breast-ovarian cancer, familial, susceptibility to, 2. Last evaluated: 2016-03-25. Review status: criteria provided, single submitter. Criteria: Quest Diagnostics criteria. Collection method: clinical testing. Allele origin: germline. Inheritance: Autosomal dominant inheritance. Not counted in ClinVar's aggregate classification.

Consortium of Investigators of Modifiers of BRCA1/2 (CIMBA), c/o University of Cambridge
Classification: Pathogenic for Breast-ovarian cancer, familial, susceptibility to, 2. Last evaluated: 2015-10-02. Review status: criteria provided, single submitter. Criteria: CIMBA Mutation Classification guidelines May 2016. Collection method: clinical testing. Allele origin: germline. Not counted in ClinVar's aggregate classification.

GeneDx
Classification: Pathogenic. Last evaluated: 2015-05-12. Review status: criteria provided, single submitter. Criteria: GeneDx Variant Classification (06012015). Collection method: clinical testing. Allele origin: germline. Affected: yes. Not counted in ClinVar's aggregate classification.
Comment: This deletion of one nucleotide is denoted BRCA2 c.6980delT at the cDNA level and p.Leu2327Ter (L2327X) at the protein level. The normal sequence, with the base that is deleted in braces, is TCTT[T]AGAG. The deletion creates a nonsense variant, which changes a Leucine to a premature stop codon. Using alternate nomenclature, this variant would be defined as BRCA2 7208delT. Although this variant has not been previously reported to our knowledge, it is predicted to cause loss of normal protein function through either protein truncation or nonsense-mediated mRNA decay, and is considered pathogenic.

PreventionGenetics, part of Exact Sciences
Classification: Pathogenic for BRCA2-related condition. Last evaluated: 2024-08-13. Review status: no assertion criteria provided. Collection method: clinical testing. Allele origin: germline. Not counted in ClinVar's aggregate classification.
Comment: The BRCA2 c.6980delT variant is predicted to result in premature protein termination (p.Leu2327*). This variant is also referred to as BRCA2 c.7208delT using legacy nomenclature. This variant was reported in an individual with an ovarian tumor (Supp. Table 1, Carter et al 2018. PubMed ID: 30322717) and an individual at risk of developing breast cancer (Morgan et al. 2010. PubMed ID: 20127978). This variant has not been reported in a large population database such as gnomAD, indicating this variant is rare. This variant is classified as either likely pathogenic or pathogenic by many labs in ClinVar. Frameshift variants in BRCA2 are expected to be pathogenic. This variant is interpreted as pathogenic.

Research Molecular Genetics Laboratory, Women's College Hospital, University of Toronto
Classification: Pathogenic for Hereditary breast ovarian cancer syndrome. Last evaluated: 2014-01-31. Review status: no assertion criteria provided. Collection method: research. Allele origin: germline. Affected: yes. Study: The Canadian Open Genetics Repository (COGR). Not counted in ClinVar's aggregate classification.

Literature cited by the submitters: PubMed 20104584 (cited by Labcorp Genetics (formerly Invitae), Labcorp); PubMed 20127978 (cited by 4 submitters); PubMed 30322717 (cited by Labcorp Genetics (formerly Invitae), Labcorp and Ambry Genetics); PubMed 29446198 (cited by Color Diagnostics, LLC DBA Color Health); PubMed 33471991 (cited by Color Diagnostics, LLC DBA Color Health); PubMed 26295337 (cited by Quest Diagnostics Nichols Institute San Juan Capistrano).